The following is an entry in ClinVar:

NM_198880.3(QRICH1):c.949dup (p.Gln317fs)

Gene: QRICH1 (glutamine rich 1; minus strand). Cytogenetic location: 3p21.31.
Variant type: Duplication.
Coding change: c.949dup on transcript NM_198880.3 (MANE Select); coding-DNA position 949, one base duplicated (C; older notation c.949dupC).
Protein change: p.Gln317fs; shifts the reading frame from glutamine 317.
Molecular consequence: frameshift variant.
Genome position (GRCh38, 1-based): chr3:49,057,251, G duplicated on the plus strand (C on the coding strand, the reverse complement: QRICH1 is on the minus strand); the first of 3 consecutive G bases (chr3:49,057,251-49,057,253); duplicating any one gives the same sequence. VCF-style (leftmost placement, unchanged base first): chr3-49057250-T-TG. GRCh37 (hg19) VCF-style: chr3-49094683-T-TG.
Other names: c.949dup, p.Gln317fs (NM_001320580.2, NM_001320581.2, NM_001320582.2 and 4 more transcripts); short protein forms Q317fs.
Identifiers: ClinVar variation 3254774 (VCV003254774.1), dbSNP rs2471708259.

ClinVar aggregate classification (germline): Pathogenic (1 of 4 stars; one submission).

Conditions:
Ververi-Brady syndrome. Identifiers: MedGen C4693824, MONDO:0979877, MONDO:0060707.

Submission:

Victorian Clinical Genetics Services, Murdoch Childrens Research Institute
Classification: Pathogenic for Ververi-Brady syndrome 1. Last evaluated: 2023-07-17. Review status: criteria provided, single submitter. Criteria: ACMG Guidelines, 2015. Collection method: clinical testing. Allele origin: germline. Inheritance: Autosomal dominant inheritance. Affected: yes.
Comment: Based on the classification scheme VCGS_Germline_v1.3.4, this variant is classified as Pathogenic. Following criteria are met: 0102 - Loss of function is a known mechanism of disease in this gene and is associated with Ververi-Brady syndrome (MIM#617982). (I) 0107 - This gene is associated with autosomal dominant disease. (I) 0201 - Variant is predicted to cause nonsense-mediated decay (NMD) and loss of protein (premature termination codon is located at least 54 nucleotides upstream of the final exon-exon junction). (SP) 0251 - This variant is heterozygous. (I) 0301 - Variant is absent from gnomAD (both v2 and v3). (SP) 0701 - Other NMD-predicted variants comparable to the one identified in this case have very strong previous evidence for pathogenicity (ClinVar). (SP) 0807 - This variant has no previous evidence of pathogenicity. (I) 0905 - No published segregation evidence has been identified for this variant. (I) 1007 - No published functional evidence has been identified for this variant. (I) 1208 - Inheritance information for this variant is not currently available in this individual. (I) Legend: (SP) - Supporting pathogenic, (I) - Information, (SB) - Supporting benign